The following is an entry in ClinVar:

ClinVar aggregate classification (germline): Uncertain significance. Review status: criteria provided, multiple submitters, no conflicts (2 of 4 stars). 3 submissions from 3 submitters: Uncertain significance (3). Last evaluated 2024-12-02.

Conditions:
Muscular dystrophy-dystroglycanopathy (congenital with brain and eye anomalies), type a, 8 (MDDGA8). Also called: WALKER-WARBURG SYNDROME OR MUSCLE-EYE-BRAIN DISEASE, GTDC2-RELATED. Identifiers: Orphanet 899, MedGen C3553813, MONDO:0013904, OMIM 614830.
Inborn genetic diseases. Identifiers: MedGen C0950123, MeSH D030342.

Allele frequency attached by ClinVar (database versions not stated): ExAC 0.00002; gnomAD exomes 0.00002; gnomAD 0.00003; TOPMed 0.00003.

Submissions (3):

Labcorp Genetics (formerly Invitae), Labcorp
Classification: Uncertain significance for Muscular dystrophy-dystroglycanopathy (congenital with brain and eye anomalies), type a, 8. Last evaluated: 2024-12-02. Review status: criteria provided, single submitter. Criteria: Invitae Variant Classification Sherloc (09022015). Collection method: clinical testing. Allele origin: germline.
Comment: This sequence change replaces arginine, which is basic and polar, with cysteine, which is neutral and slightly polar, at codon 80 of the POMGNT2 protein (p.Arg80Cys). This variant is present in population databases (rs780388475, gnomAD 0.006%). This variant has not been reported in the literature in individuals affected with POMGNT2-related conditions. ClinVar contains an entry for this variant (Variation ID: 540488). Invitae Evidence Modeling of protein sequence and biophysical properties (such as structural, functional, and spatial information, amino acid conservation, physicochemical variation, residue mobility, and thermodynamic stability) indicates that this missense variant is not expected to disrupt POMGNT2 protein function with a negative predictive value of 80%. In summary, the available evidence is currently insufficient to determine the role of this variant in disease. Therefore, it has been classified as a Variant of Uncertain Significance.

Ambry Genetics
Classification: Uncertain significance for Inborn genetic diseases. Last evaluated: 2024-06-17. Review status: criteria provided, single submitter. Criteria: Ambry Variant Classification Scheme 2023. Collection method: clinical testing. Allele origin: germline.

Genomic Research Center, Shahid Beheshti University of Medical Sciences
Classification: Uncertain significance. Last evaluated: 2019-04-27. Review status: criteria provided, single submitter. Criteria: ACMG Guidelines, 2015. Collection method: clinical testing. Allele origin: unknown. Affected: no.

NM_032806.6(POMGNT2):c.238C>T (p.Arg80Cys)

Gene: POMGNT2 (protein O-linked mannose N-acetylglucosaminyltransferase 2 (beta 1,4-); minus strand). Cytogenetic location: 3p22.1.
Variant type: single nucleotide variant.
Coding change: c.238C>T on transcript NM_032806.6 (MANE Select); coding-DNA position 238, C replaced by T.
Protein change: p.Arg80Cys; replaces arginine 80 with cysteine.
Molecular consequence: missense variant.
Genome position (GRCh38, 1-based): chr3:43,081,194, G>A on the plus strand (C>T on the coding strand, the complement: POMGNT2 is on the minus strand). VCF-style: chr3-43081194-G-A. GRCh37 (hg19) VCF-style: chr3-43122686-G-A.
Other names: c.238C>T (NM_032806.4); short protein forms R80C.
Identifiers: ClinVar variation 540488 (VCV000540488.8), dbSNP rs780388475, ClinGen allele CA2340122.